The following is an entry in ClinVar:

NM_000587.4(C7):c.2350+1del

Gene: C7 (complement C7; plus strand). Cytogenetic location: 5p13.1.
Variant type: Deletion.
Coding change: c.2350+1del on transcript NM_000587.4 (MANE Select); the canonical splice donor site of the intron after coding-DNA position 2350, one base deleted (G; older notation c.2350+1delG).
Molecular consequence: splice donor variant.
Genome position (GRCh38, 1-based): chr5:40,979,910, G deleted; the last of 2 consecutive G bases (chr5:40,979,909-40,979,910); deleting either gives the same sequence. VCF-style (leftmost placement, unchanged base first): chr5-40979908-TG-T. GRCh37 (hg19) VCF-style: chr5-40980010-TG-T.
Other names: c.2350+1delG (NM_000587.4).
Identifiers: ClinVar variation 635449 (VCV000635449.8), dbSNP rs779723422, ClinGen allele CA3250271.
Genomic context (GRCh38, chr5:40,979,908, plus strand): 5'-TACTCTGCCTGCCTCAGCTGAGAAAGCTTGTGGTGCCTGCCCACTGTGGGGAAAATGTGA[TG>T]GTAAGGGGCCTTTCATATTTGTAAGTATAAGAATGCTAAAGTCACAGTACTGAGGATTTA-3'

ClinVar aggregate classification (germline): Likely pathogenic. Review status: criteria provided, multiple submitters, no conflicts (2 of 4 stars). 4 submissions from 4 submitters: Likely pathogenic (3). 1 of the submissions does not count toward it. Last evaluated 2026-02-04.

Conditions:
Complement component 7 deficiency (C7D). Also called: C7 DEFICIENCY. Identifiers: MedGen C1864694, MONDO:0012412, OMIM 610102.
C7-related disorders.

Submissions (4):

Women's Health and Genetics/Laboratory Corporation of America, LabCorp
Classification: Likely pathogenic for Complement component 7 deficiency. Last evaluated: 2026-02-04. Review status: criteria provided, single submitter. Criteria: LabCorp Variant Classification Summary - May 2015. Collection method: clinical testing. Allele origin: germline.
Comment: Variant summary: C7 c.2350+1delG is located in a canonical splice-site and is predicted to affect mRNA splicing resulting in a significantly altered protein due to either exon skipping, shortening, or inclusion of intronic material. Variants that disrupt the consensus splice site are a relatively common cause of aberrant splicing and loss of C7 function. Several computational tools predict a significant impact on normal splicing: Four predict the variant abolishes a 5' splicing donor site. Three predict the variant creates a 5' donor site. However, these predictions have yet to be confirmed by functional studies. The variant allele was found at a frequency of 0.00012 in 233678 control chromosomes. This frequency is not significantly higher than estimated for disease-causing variants in C7, allowing no conclusion about variant significance. c.2350+1delG has been observed in compound heterozygous individuals affected with Complement component 7 deficiency (Fernie_1998, Rosain_2017, internal data). These data indicate that the variantis likely to be associated with disease. To our knowledge, no experimental evidence demonstrating an impact on protein function has been reported. The following publications have been ascertained in the context of this evaluation (PMID: 9856499, 28368462). ClinVar contains an entry for this variant (Variation ID: 635449). Based on the evidence outlined above, the variant was classified as likely pathogenic.

Labcorp Genetics (formerly Invitae), Labcorp
Classification: Likely pathogenic. Last evaluated: 2025-10-15. Review status: criteria provided, single submitter. Criteria: Invitae Variant Classification Sherloc (09022015). Collection method: clinical testing. Allele origin: germline.
Comment: This sequence change creates a premature translational stop signal (Splice site) in the C7 gene. While this is not anticipated to result in nonsense mediated decay, it is expected to disrupt the last 60 amino acid(s) of the C7 protein. This variant is present in population databases (rs779723422, gnomAD 0.02%). This premature translational stop signal has been observed in individual(s) with clinical features of autosomal recessive complement component 7 (C7) deficiency (PMID: 9856499, 28368462; internal data). In at least one individual the data is consistent with being in trans (on the opposite chromosome) from a pathogenic variant. This variant is also known as c.2350+1del. ClinVar contains an entry for this variant (Variation ID: 635449). Algorithms developed to predict the effect of sequence changes on RNA splicing suggest that this variant may disrupt the consensus splice site. In summary, the currently available evidence indicates that the variant is pathogenic, but additional data are needed to prove that conclusively. Therefore, this variant has been classified as Likely Pathogenic.

Blueprint Genetics
Classification: Likely pathogenic for C7-related disorders. Last evaluated: 2024-09-24. Review status: criteria provided, single submitter. Criteria: ACMG Guidelines, 2015. Collection method: clinical testing. Allele origin: germline. Affected: yes. Observed: 5 variant alleles.

Bioscientia Institut fuer Medizinische Diagnostik GmbH, Sonic Healthcare
Classification: Pathogenic for Complement component 7 deficiency. Last evaluated: 2018-11-14. Review status: no assertion criteria provided. Collection method: clinical testing. Allele origin: germline. Affected: yes. Not counted in ClinVar's aggregate classification.

Literature cited by the submitters: PubMed 28368462 (cited by Women's Health and Genetics/Laboratory Corporation of America, LabCorp and Labcorp Genetics (formerly Invitae), Labcorp); PubMed 9856499 (cited by Women's Health and Genetics/Laboratory Corporation of America, LabCorp and Labcorp Genetics (formerly Invitae), Labcorp).